The following is an entry in ClinVar:

NM_000365.6(TPI1):c.*420T>C

Gene: TPI1 (triosephosphate isomerase 1; plus strand). Cytogenetic location: 12p13.31.
Variant type: single nucleotide variant.
Coding change: c.*420T>C on transcript NM_000365.6 (MANE Select); 420 bases downstream of the stop codon, T replaced by C.
Molecular consequence: 3 prime UTR variant.
Genome position (GRCh38, 1-based): chr12:6,870,803, T>C. VCF-style: chr12-6870803-T-C. GRCh37 (hg19) VCF-style: chr12-6979967-T-C.
Other names: c.*420T>C (NM_001159287.1, NM_001258026.2).
Identifiers: ClinVar variation 310371 (VCV000310371.6), dbSNP rs58194764, ClinGen allele CA6419129.

ClinVar aggregate classification (germline): Benign. Review status: criteria provided, multiple submitters, no conflicts (2 of 4 stars). 2 submissions from 2 submitters: Benign (2). Last evaluated 2018-01-13.

Conditions:
Triosephosphate isomerase deficiency (TPID). Also called: Triose phosphate isomerase deficiency. Identifiers: Orphanet 868, MedGen C1860808, MONDO:0014221, OMIM 615512.

Allele frequency attached by ClinVar (database versions not stated): ExAC 0.02618; gnomAD exomes 0.03178 and 0.05905; gnomAD 0.08521 and 0.08694; TOPMed 0.09958; 1000 Genomes Project 0.14637; 1000 Genomes Project 30x 0.15006.
gnomAD v4.1: 24,485 of 514,504 alleles (4.8%); highest among the groups gnomAD compares: East Asian, 26%; 2,506 homozygotes.

Submissions (2):

Illumina Laboratory Services, Illumina
Classification: Benign for Triosephosphate isomerase deficiency. Last evaluated: 2018-01-13. Review status: criteria provided, single submitter. Criteria: ICSL Variant Classification Criteria 13 December 2019. Collection method: clinical testing. Allele origin: germline.
Comment: This variant was observed in the ICSL laboratory as part of a predisposition screen in an ostensibly healthy population. It had not been previously curated by ICSL or reported in the Human Gene Mutation Database (HGMD: prior to June 1st, 2018), and was therefore a candidate for classification through an automated scoring system. Utilizing variant allele frequency, disease prevalence and penetrance estimates, and inheritance mode, an automated score was calculated to assess if this variant is too frequent to cause the disease. Based on the score and internal cut-off values, a variant classified as benign is not then subjected to further curation. The score for this variant resulted in a classification of benign for this disease.

Breakthrough Genomics
Classification: Benign. Review status: criteria provided, single submitter. Criteria: ACMG Guidelines, 2015. Collection method: not provided. Allele origin: germline. Inheritance: Autosomal recessive inheritance. Affected: yes.